The following is an entry in ClinVar:

ClinVar aggregate classification (germline): Uncertain significance (1 of 4 stars; one submission).

Conditions:
Hereditary cancer-predisposing syndrome. Also called: Neoplastic Syndromes, Hereditary; Tumor predisposition; Hereditary Cancer Syndrome; Hereditary neoplastic syndrome. Identifiers: Orphanet 140162, MedGen C0027672, MeSH D009386, MONDO:0015356.

Submission:

Ambry Genetics
Classification: Uncertain significance for Hereditary cancer-predisposing syndrome. Last evaluated: 2023-12-14. Review status: criteria provided, single submitter. Criteria: Ambry Variant Classification Scheme 2023. Collection method: clinical testing. Allele origin: germline.
Comment: The c.-4A>G variant is located in the 5' untranslated region (5&rsquo; UTR) of the DICER1 gene. This variant results from an A to G substitution 4 bases upstream from the first translated codon. This nucleotide position is highly conserved in available vertebrate species. Since supporting evidence is limited at this time, the clinical significance of this alteration remains unclear.

NM_177438.3(DICER1):c.-4A>G

Gene: DICER1 (dicer 1, ribonuclease III; minus strand). Cytogenetic location: 14q32.13.
Variant type: single nucleotide variant.
Coding change: c.-4A>G on transcript NM_177438.3 (MANE Select); 4 bases upstream of the start codon, A replaced by G.
Molecular consequence: 5 prime UTR variant.
Genome position (GRCh38, 1-based): chr14:95,133,462, T>C on the plus strand (A>G on the coding strand, the complement: DICER1 is on the minus strand). VCF-style: chr14-95133462-T-C. GRCh37 (hg19) VCF-style: chr14-95599799-T-C.
Other names: c.-4A>G (NM_001195573.1, NM_001271282.3, NM_001291628.2 and 1 more transcripts).
Identifiers: ClinVar variation 483422 (VCV000483422.5), dbSNP rs1293799301, ClinGen allele CA658658274.